The following is an entry in ClinVar:

NM_000218.3(KCNQ1):c.*837G>A

Genes: KCNQ1-AS1 (KCNQ1 antisense RNA 1; minus strand), KCNQ1 (potassium voltage-gated channel subfamily Q member 1; plus strand). Cytogenetic location: 11p15.4.
Variant type: single nucleotide variant.
Coding change: c.*837G>A on transcript NM_000218.3 (MANE Select); 837 bases downstream of the stop codon, G replaced by A.
Molecular consequence: 3 prime UTR variant.
Genome position (GRCh38, 1-based): chr11:2,848,840, G>A. VCF-style: chr11-2848840-G-A. GRCh37 (hg19) VCF-style: chr11-2870070-G-A.
Other names: c.*837G>A (NM_001406836.1, NM_001406837.1, NM_001406838.1 and 2 more transcripts).
Identifiers: ClinVar variation 304261 (VCV000304261.9), dbSNP rs139633955, ClinGen allele CA040916.

ClinVar aggregate classification (germline): Conflicting classifications of pathogenicity. Review status: criteria provided, conflicting classifications (1 of 4 stars). 5 submissions from 2 submitters: Uncertain significance (2); Benign (1); Likely benign (2). Last evaluated 2021-05-15.

Conditions:
Jervell and Lange-Nielsen syndrome 1 (JLNS1). Also called: CARDIOAUDITORY SYNDROME OF JERVELL AND LANGE-NIELSEN; DEAFNESS, CONGENITAL, AND FUNCTIONAL HEART DISEASE; PROLONGED QT INTERVAL IN EKG AND SUDDEN DEATH; SURDO-CARDIAC SYNDROME. Identifiers: Orphanet 768, Orphanet 90647, MedGen C4551509, MONDO:0024540, OMIM 220400.
Short QT syndrome type 2. Identifiers: Orphanet 51083, MedGen C1865019, MONDO:0012313, OMIM 609621.
Long QT syndrome 1 (LQT1). Identifiers: Orphanet 101016, Orphanet 768, MedGen C4551647, MONDO:0100316, OMIM 192500, MONDO:0008646.
Atrial fibrillation, familial, 3 (ATFB3). Identifiers: MedGen C1837014, MONDO:0011857, OMIM 607554.

Allele frequency attached by ClinVar (database versions not stated): ExAC 0.00065; gnomAD 0.00155 and 0.00204; gnomAD exomes 0.00168 and 0.00404; TOPMed 0.00236; 1000 Genomes Project 30x 0.00890; 1000 Genomes Project 0.00919.
gnomAD v4.1: 849 of 454,162 alleles (0.19%); highest among the groups gnomAD compares: East Asian, 4.6%; 23 homozygotes.

Submissions (5):

GeneDx
Classification: Likely benign. Last evaluated: 2021-05-15. Review status: criteria provided, single submitter. Criteria: GeneDx Variant Classification Process June 2021. Collection method: clinical testing. Allele origin: germline. Affected: yes.

Illumina Laboratory Services, Illumina
Classification: Uncertain significance for Jervell and Lange-Nielsen syndrome 1. Last evaluated: 2018-01-12. Review status: criteria provided, single submitter. Criteria: ICSL Variant Classification Criteria 13 December 2019. Collection method: clinical testing. Allele origin: germline.

Illumina Laboratory Services, Illumina
Classification: Benign for Short QT syndrome type 2. Last evaluated: 2018-01-12. Review status: criteria provided, single submitter. Criteria: ICSL Variant Classification Criteria 13 December 2019. Collection method: clinical testing. Allele origin: germline.
Comment: This variant was observed in the ICSL laboratory as part of a predisposition screen in an ostensibly healthy population. It had not been previously curated by ICSL or reported in the Human Gene Mutation Database (HGMD: prior to June 1st, 2018), and was therefore a candidate for classification through an automated scoring system. Utilizing variant allele frequency, disease prevalence and penetrance estimates, and inheritance mode, an automated score was calculated to assess if this variant is too frequent to cause the disease. Based on the score and internal cut-off values, a variant classified as benign is not then subjected to further curation. The score for this variant resulted in a classification of benign for this disease.

Illumina Laboratory Services, Illumina
Classification: Likely benign for Long QT syndrome 1. Last evaluated: 2018-01-12. Review status: criteria provided, single submitter. Criteria: ICSL Variant Classification Criteria 13 December 2019. Collection method: clinical testing. Allele origin: germline.
Comment: This variant was observed in the ICSL laboratory as part of a predisposition screen in an ostensibly healthy population. It had not been previously curated by ICSL or reported in the Human Gene Mutation Database (HGMD: prior to June 1st, 2018), and was therefore a candidate for classification through an automated scoring system. Utilizing variant allele frequency, disease prevalence and penetrance estimates, and inheritance mode, an automated score was calculated to assess if this variant is too frequent to cause the disease. Based on the score and internal cut-off values, a variant classified as likely benign is not then subjected to further curation. The score for this variant resulted in a classification of likely benign for this disease.

Illumina Laboratory Services, Illumina
Classification: Uncertain significance for Atrial fibrillation, familial, 3. Last evaluated: 2018-01-12. Review status: criteria provided, single submitter. Criteria: ICSL Variant Classification Criteria 13 December 2019. Collection method: clinical testing. Allele origin: germline.